The following is an entry in ClinVar:

ClinVar aggregate classification (germline): Uncertain significance. Review status: criteria provided, multiple submitters, no conflicts (2 of 4 stars). 2 submissions from 2 submitters: Uncertain significance (2). Last evaluated 2025-08-20.

Conditions:
Hereditary cancer-predisposing syndrome. Also called: Hereditary Cancer Syndrome; Neoplastic Syndromes, Hereditary; Hereditary neoplastic syndrome; Tumor predisposition. Identifiers: Orphanet 140162, MedGen C0027672, MeSH D009386, MONDO:0015356.
Gorlin syndrome. Also called: Nevoid Basal Cell Carcinoma Syndrome; Basal cell nevus syndrome. Identifiers: Orphanet 377, MedGen C0004779, MONDO:0007187.

Submissions (2):

Ambry Genetics
Classification: Uncertain significance for Hereditary cancer-predisposing syndrome. Last evaluated: 2025-08-20. Review status: criteria provided, single submitter. Criteria: Ambry Variant Classification Scheme 2023. Collection method: clinical testing. Allele origin: germline.
Comment: The p.D951Y variant (also known as c.2851G>T), located in coding exon 17 of the PTCH1 gene, results from a G to T substitution at nucleotide position 2851. The aspartic acid at codon 951 is replaced by tyrosine, an amino acid with highly dissimilar properties. This amino acid position is highly conserved in available vertebrate species. In addition, this alteration is predicted to be deleterious by in silico analysis. Since supporting evidence is limited at this time, the clinical significance of this alteration remains unclear.

Labcorp Genetics (formerly Invitae), Labcorp
Classification: Uncertain significance for Gorlin syndrome. Last evaluated: 2024-08-04. Review status: criteria provided, single submitter. Criteria: Invitae Variant Classification Sherloc (09022015). Collection method: clinical testing. Allele origin: germline.
Comment: This sequence change replaces aspartic acid, which is acidic and polar, with tyrosine, which is neutral and polar, at codon 951 of the PTCH1 protein (p.Asp951Tyr). This variant is not present in population databases (gnomAD no frequency). This variant has not been reported in the literature in individuals affected with PTCH1-related conditions. ClinVar contains an entry for this variant (Variation ID: 821890). Advanced modeling of protein sequence and biophysical properties (such as structural, functional, and spatial information, amino acid conservation, physicochemical variation, residue mobility, and thermodynamic stability) has been performed at Invitae for this missense variant, however the output from this modeling did not meet the statistical confidence thresholds required to predict the impact of this variant on PTCH1 protein function. In summary, the available evidence is currently insufficient to determine the role of this variant in disease. Therefore, it has been classified as a Variant of Uncertain Significance.

NM_000264.5(PTCH1):c.2851G>T (p.Asp951Tyr)

Gene: PTCH1 (patched 1; minus strand). Cytogenetic location: 9q22.32.
Variant type: single nucleotide variant.
Coding change: c.2851G>T on transcript NM_000264.5 (MANE Select); coding-DNA position 2851, G replaced by T.
Protein change: p.Asp951Tyr; replaces aspartic acid 951 with tyrosine.
Molecular consequence: missense variant. On other transcripts: non-coding transcript variant (1).
Genome position (GRCh38, 1-based): chr9:95,459,636, C>A on the plus strand (G>T on the coding strand, the complement: PTCH1 is on the minus strand). VCF-style: chr9-95459636-C-A. GRCh37 (hg19) VCF-style: chr9-98221918-C-A.
Other names: c.2653G>T, p.Asp885Tyr (NM_001083602.3); c.2848G>T, p.Asp950Tyr (NM_001083603.3); c.2398G>T, p.Asp800Tyr (NM_001083604.3, NM_001083605.3, NM_001083606.3 and 1 more transcripts); c.2695G>T, p.Asp899Tyr (NM_001354918.2); short protein forms D950Y, D800Y, D885Y, D899Y, D951Y.
Identifiers: ClinVar variation 821890 (VCV000821890.12), dbSNP rs1588544328, ClinGen allele CA374112944.